The following is an entry in ClinVar:

NM_005359.6(SMAD4):c.850C>T (p.Gln284Ter)

Gene: SMAD4 (SMAD family member 4; plus strand). Cytogenetic location: 18q21.2.
Variant type: single nucleotide variant.
Coding change: c.850C>T on transcript NM_005359.6 (MANE Select); coding-DNA position 850, C replaced by T.
Protein change: p.Gln284Ter; replaces glutamine 284 with a stop codon.
Molecular consequence: nonsense.
Genome position (GRCh38, 1-based): chr18:51,058,402, C>T. VCF-style: chr18-51058402-C-T. GRCh37 (hg19) VCF-style: chr18-48584772-C-T.
Other names: c.850C>T, p.Gln284Ter (NM_001407041.1, NM_001407042.1, NM_001407043.1); short protein forms Q284*.
Identifiers: ClinVar variation 2036411 (VCV002036411.4), dbSNP rs2144428984, ClinGen allele CA402463505.
Genomic context (GRCh38, chr18:51,058,402, plus strand): 5'-AGCACTACCACCTGGACTGGAAGTAGGACTGCACCATACACACCTAATTTGCCTCACCAC[C>T]AAAACGGCCATCTTCAGCACCACCCGCCTATGCCGCCCCATCCCGGACATTACTGTAAGC-3'

ClinVar aggregate classification (germline): Pathogenic (1 of 4 stars; one submission).

Conditions:
Juvenile polyposis syndrome (JPS). Identifiers: Orphanet 2929, MedGen C0345893, MONDO:0017380, OMIM 174900.

Submission:

Labcorp Genetics (formerly Invitae), Labcorp
Classification: Pathogenic for Juvenile polyposis syndrome. Last evaluated: 2022-10-21. Review status: criteria provided, single submitter. Criteria: Invitae Variant Classification Sherloc (09022015). Collection method: clinical testing. Allele origin: germline.
Comment: For these reasons, this variant has been classified as Pathogenic. This variant has not been reported in the literature in individuals affected with SMAD4-related conditions. This variant is not present in population databases (gnomAD no frequency). This sequence change creates a premature translational stop signal (p.Gln284*) in the SMAD4 gene. It is expected to result in an absent or disrupted protein product. Loss-of-function variants in SMAD4 are known to be pathogenic (PMID: 16152648, 16436638, 22810475).

Literature cited by the submitters: PubMed 16152648; PubMed 16436638; PubMed 22810475.